The following is an entry in ClinVar:

NM_003334.4(UBA1):c.632C>G (p.Ser211Cys)

Gene: UBA1 (ubiquitin like modifier activating enzyme 1; plus strand). Cytogenetic location: Xp11.3.
Variant type: single nucleotide variant.
Coding change: c.632C>G on transcript NM_003334.4 (MANE Select); coding-DNA position 632, C replaced by G.
Protein change: p.Ser211Cys; replaces serine 211 with cysteine.
Molecular consequence: missense variant.
Genome position (GRCh38, 1-based): chrX:47,201,320, C>G. VCF-style: chrX-47201320-C-G. GRCh37 (hg19) VCF-style: chrX-47060719-C-G.
Other names: c.632C>G, p.Ser211Cys (NM_153280.3); short protein forms S211C.
Identifiers: ClinVar variation 941658 (VCV000941658.10), dbSNP rs1936410112, ClinGen allele CA412792719.
Genomic context (GRCh38, chrX:47,201,320, plus strand): 5'-TTGCTTCCCTCTACAGGCAGCTCTTCTGTGACTTTGGAGAGGAAATGATCCTCACAGATT[C>G]CAATGGGGAGCAGCCACTCAGTGCTATGGTTTCTATGGTTACCAAGGTAAGGAGACCAGC-3'
Protein context (NP_003325.2, residues 201-221): DFGEEMILTD[Ser211Cys]NGEQPLSAMV

ClinVar aggregate classification (germline): Uncertain significance. Review status: criteria provided, multiple submitters, no conflicts (2 of 4 stars). 2 submissions from 2 submitters: Uncertain significance (2). Last evaluated 2025-03-18.

Conditions:
Infantile-onset X-linked spinal muscular atrophy. Also called: Spinal Muscular Atrophy, X-Linked Infantile; Spinal muscular atrophy, X-linked 2; SPINAL MUSCULAR ATROPHY, X-LINKED LETHAL INFANTILE; AMC, DISTAL, X-LINKED; ARTHROGRYPOSIS, X-LINKED, TYPE I. Identifiers: Orphanet 1145, MedGen C1844934, MONDO:0010532, OMIM 301830.
Inborn genetic diseases. Identifiers: MedGen C0950123, MeSH D030342.

Submissions (2):

Ambry Genetics
Classification: Uncertain significance for Inborn genetic diseases. Last evaluated: 2025-03-18. Review status: criteria provided, single submitter. Criteria: Ambry Variant Classification Scheme 2023. Collection method: clinical testing. Allele origin: germline.

Labcorp Genetics (formerly Invitae), Labcorp
Classification: Uncertain significance for Infantile-onset X-linked spinal muscular atrophy. Last evaluated: 2025-01-28. Review status: criteria provided, single submitter. Criteria: Invitae Variant Classification Sherloc (09022015). Collection method: clinical testing. Allele origin: germline.
Comment: This sequence change replaces serine, which is neutral and polar, with cysteine, which is neutral and slightly polar, at codon 211 of the UBA1 protein (p.Ser211Cys). This variant is not present in population databases (gnomAD no frequency). This variant has not been reported in the literature in individuals affected with UBA1-related conditions. ClinVar contains an entry for this variant (Variation ID: 941658). An algorithm developed to predict the effect of missense changes on protein structure and function (PolyPhen-2) suggests that this variant is likely to be tolerated. In summary, the available evidence is currently insufficient to determine the role of this variant in disease. Therefore, it has been classified as a Variant of Uncertain Significance.